The following is an entry in ClinVar:

ClinVar aggregate classification (germline): Uncertain significance (1 of 4 stars; one submission).

Conditions:
Hereditary cancer-predisposing syndrome. Also called: Neoplastic Syndromes, Hereditary; Tumor predisposition; Hereditary Cancer Syndrome; Hereditary neoplastic syndrome. Identifiers: Orphanet 140162, MedGen C0027672, MeSH D009386, MONDO:0015356.

Submission:

Ambry Genetics
Classification: Uncertain significance for Hereditary cancer-predisposing syndrome. Last evaluated: 2026-03-23. Review status: criteria provided, single submitter. Criteria: Ambry Variant Classification Scheme 2023. Collection method: clinical testing. Allele origin: germline.
Comment: The p.P1488L variant (also known as c.4463C>T), located in coding exon 30 of the SMARCA4 gene, results from a C to T substitution at nucleotide position 4463. The proline at codon 1488 is replaced by leucine, an amino acid with similar properties. This amino acid position is conserved. In addition, this alteration is predicted to be tolerated by in silico analysis. Based on the available evidence, the clinical significance of this variant remains unclear.

NM_003072.5(SMARCA4):c.4367C>T (p.Pro1456Leu)

Gene: SMARCA4 (SWI/SNF related BAF chromatin remodeling complex subunit ATPase 4; plus strand). Cytogenetic location: 19p13.2.
Variant type: single nucleotide variant.
Coding change: c.4367C>T on transcript NM_003072.5 (MANE Select); coding-DNA position 4367, C replaced by T.
Protein change: p.Pro1456Leu; replaces proline 1456 with leucine.
Molecular consequence: missense variant. On other transcripts: non-coding transcript variant (1).
Genome position (GRCh38, 1-based): chr19:11,041,503, C>T. VCF-style: chr19-11041503-C-T. GRCh37 (hg19) VCF-style: chr19-11152179-C-T.
Other names: c.4367C>T, p.Pro1456Leu (NM_001128844.3); c.4277C>T, p.Pro1426Leu (NM_001128845.2, NM_001128846.2); c.4268C>T, p.Pro1423Leu (NM_001128847.4, NM_001128848.2, NM_001374457.1); c.4463C>T, p.Pro1488Leu (NM_001128849.3, NM_001387283.1); c.4364C>T, p.Pro1455Leu (NM_001411150.1); short protein forms P1423L, P1426L, P1455L, P1456L, P1488L.
Identifiers: ClinVar variation 4864745 (VCV004864745.1).